The following is an entry in ClinVar:

NM_001365480.1(CCDC88A):c.893del (p.Leu298fs)

Gene: CCDC88A (coiled-coil and HOOK domain protein 88A; minus strand). Cytogenetic location: 2p16.1.
Variant type: Deletion.
Coding change: c.893del on transcript NM_001365480.1 (MANE Select); coding-DNA position 893, one base deleted (T; older notation c.893delT).
Protein change: p.Leu298fs; shifts the reading frame from leucine 298.
Molecular consequence: frameshift variant.
Genome position (GRCh38, 1-based): chr2:55,346,323, A deleted on the plus strand (T on the coding strand, the reverse complement: CCDC88A is on the minus strand); the first of 3 consecutive A bases (chr2:55,346,323-55,346,325); deleting any one gives the same sequence. VCF-style (leftmost placement, unchanged base first): chr2-55346322-CA-C. GRCh37 (hg19) VCF-style: chr2-55573458-CA-C.
Other names: c.893del, p.Leu298fs (NM_001135597.2, NM_001254943.2, NM_018084.5); short protein forms L298fs.
Identifiers: ClinVar variation 1447949 (VCV001447949.6), dbSNP rs2104730296, ClinGen allele CA2573135034.
Genomic context (GRCh38, chr2:55,346,322, plus strand): 5'-TTTCTCTCGAAGTGCATCTAATTCATCTCGGTACATTCTGGCAGAGCGAGCATCCGAAAG[CA>C]AATTCATGTTCTAAACAAAAATTTAAAATTATATTTTAATTATTTTCTGTTATCAACTTG-3'

ClinVar aggregate classification (germline): Pathogenic (1 of 4 stars; one submission).

Submission:

Labcorp Genetics (formerly Invitae), Labcorp
Classification: Pathogenic. Last evaluated: 2023-07-17. Review status: criteria provided, single submitter. Criteria: Invitae Variant Classification Sherloc (09022015). Collection method: clinical testing. Allele origin: germline.
Comment: For these reasons, this variant has been classified as Pathogenic. ClinVar contains an entry for this variant (Variation ID: 1447949). This variant has not been reported in the literature in individuals affected with CCDC88A-related conditions. This variant is not present in population databases (gnomAD no frequency). This sequence change creates a premature translational stop signal (p.Leu298Cysfs*15) in the CCDC88A gene. It is expected to result in an absent or disrupted protein product. Loss-of-function variants in CCDC88A are known to be pathogenic (PMID: 26917597, 30392057).

Literature cited by the submitters: PubMed 26917597; PubMed 30392057.